The following is an entry in ClinVar:

ClinVar aggregate classification (germline): Uncertain significance (1 of 4 stars; one submission).

Conditions:
Long QT syndrome (LQTS). Identifiers: MedGen C0023976, MeSH D008133, MONDO:0002442. Disease mechanism: loss of function. Inheritance: Various modes of inheritance.

Submission:

Labcorp Genetics (formerly Invitae), Labcorp
Classification: Uncertain significance for Long QT syndrome. Last evaluated: 2020-09-20. Review status: criteria provided, single submitter. Criteria: Invitae Variant Classification Sherloc (09022015). Collection method: clinical testing. Allele origin: germline.
Comment: This variant has not been reported in the literature in individuals with KCNH2-related conditions. In summary, the available evidence is currently insufficient to determine the role of this variant in disease. Therefore, it has been classified as a Variant of Uncertain Significance. This variant disrupts the p.Phe640 amino acid residue in KCNH2. Other variant(s) that disrupt this residue have been observed in individuals with KCNH2-related conditions (PMID: 22949429), which suggests that this may be a clinically significant amino acid residue. Algorithms developed to predict the effect of missense changes on protein structure and function (SIFT, PolyPhen-2, Align-GVGD) all suggest that this variant is likely to be disruptive, but these predictions have not been confirmed by published functional studies and their clinical significance is uncertain. This variant is not present in population databases (ExAC no frequency). This sequence change replaces phenylalanine with cysteine at codon 640 of the KCNH2 protein (p.Phe640Cys). The phenylalanine residue is highly conserved and there is a large physicochemical difference between phenylalanine and cysteine.

Literature cited by the submitters: PubMed 22949429.

NM_000238.4(KCNH2):c.1919T>G (p.Phe640Cys)

Gene: KCNH2 (potassium voltage-gated channel subfamily H member 2; minus strand). Cytogenetic location: 7q36.1.
Variant type: single nucleotide variant.
Coding change: c.1919T>G on transcript NM_000238.4 (MANE Select); coding-DNA position 1919, T replaced by G.
Protein change: p.Phe640Cys; replaces phenylalanine 640 with cysteine.
Molecular consequence: missense variant.
Genome position (GRCh38, 1-based): chr7:150,951,474, A>C on the plus strand (T>G on the coding strand, the complement: KCNH2 is on the minus strand). VCF-style: chr7-150951474-A-C. GRCh37 (hg19) VCF-style: chr7-150648562-A-C.
Other names: c.899T>G, p.Phe300Cys (NM_001204798.2, NM_172057.3); c.1631T>G, p.Phe544Cys (NM_001406753.1, NM_001406756.1); c.1742T>G, p.Phe581Cys (NM_001406755.1); c.1619T>G, p.Phe540Cys (NM_001406757.1); c.1919T>G, p.Phe640Cys (NM_172056.3); short protein forms F640C, F300C, F581C, F544C, F540C.
Identifiers: ClinVar variation 1045742 (VCV001045742.9), dbSNP rs1801154920, ClinGen allele CA369857845.
Genomic context (GRCh38, chr7:150,951,474, plus strand): 5'-GCTCTCCCCGCCGCCCGCCCCTGGGCACACTCACAGCCAATGAGCATGACGCAGATGGAG[A>C]AGATCTTCTCTGAGTTGGTGTTGGGAGAGACGTTGCCGAAGCCCACACTGGTGAGGCTGC-3'
Protein context (NP_000229.1, residues 630-650): VSPNTNSEKI[Phe640Cys]SICVMLIGSL